The following is an entry in ClinVar:

ClinVar aggregate classification (germline): Uncertain significance (1 of 4 stars; one submission).

Conditions:
Alstrom syndrome (ALMS). Identifiers: Orphanet 64, MedGen C0268425, MONDO:0008763, OMIM 203800.

Allele frequency attached by ClinVar (database versions not stated): gnomAD exomes below 0.00001; TOPMed below 0.00001.
gnomAD v4.1: 2 of 1,613,466 alleles (0.00012%); highest among the groups gnomAD compares: Non-Finnish European, 0.00017%; no homozygotes.

Submission:

Labcorp Genetics (formerly Invitae), Labcorp
Classification: Uncertain significance for Alstrom syndrome. Last evaluated: 2022-10-05. Review status: criteria provided, single submitter. Criteria: Invitae Variant Classification Sherloc (09022015). Collection method: clinical testing. Allele origin: germline.
Comment: This variant has not been reported in the literature in individuals affected with ALMS1-related conditions. In summary, the available evidence is currently insufficient to determine the role of this variant in disease. Therefore, it has been classified as a Variant of Uncertain Significance. Experimental studies and prediction algorithms are not available or were not evaluated, and the effect of this variant on mRNA splicing is currently unknown. This variant is not present in population databases (gnomAD no frequency). This sequence change affects codon 216 of the ALMS1 mRNA. It is a 'silent' change, meaning that it does not change the encoded amino acid sequence of the ALMS1 protein. It affects a nucleotide within the consensus splice site.

NM_001378454.1(ALMS1):c.645A>G (p.Leu215=)

Gene: ALMS1 (ALMS1 centrosome and basal body associated protein; plus strand). Cytogenetic location: 2p13.1.
Variant type: single nucleotide variant.
Coding change: c.645A>G on transcript NM_001378454.1 (MANE Select); coding-DNA position 645, A replaced by G.
Protein change: p.Leu215=; no amino-acid change (leucine 215 retained).
Molecular consequence: synonymous variant.
Genome position (GRCh38, 1-based): chr2:73,419,317, A>G. VCF-style: chr2-73419317-A-G. GRCh37 (hg19) VCF-style: chr2-73646445-A-G.
Other names: c.648A>G, p.Leu216= (NM_015120.4).
Identifiers: ClinVar variation 2059320 (VCV002059320.2), dbSNP rs1671242193, ClinGen allele CA426767871.